The following is an entry in ClinVar:

ClinVar aggregate classification (germline): Uncertain significance (1 of 4 stars; one submission).

Conditions:
Inborn genetic diseases. Identifiers: MedGen C0950123, MeSH D030342.

gnomAD v4.1: 2 of 1,600,958 alleles (0.00012%); highest among the groups gnomAD compares: Non-Finnish European, 0.00017%; no homozygotes.

Submission:

Ambry Genetics
Classification: Uncertain significance for Inborn genetic diseases. Last evaluated: 2023-09-23. Review status: criteria provided, single submitter. Criteria: Ambry Variant Classification Scheme 2023. Collection method: clinical testing. Allele origin: germline.
Comment: The p.G951D variant (also known as c.2852G>A), located in coding exon 20 of the LTBP3 gene, results from a G to A substitution at nucleotide position 2852. The glycine at codon 951 is replaced by aspartic acid, an amino acid with similar properties. This amino acid position is conserved. In addition, this alteration is predicted to be deleterious by in silico analysis. Since supporting evidence is limited at this time, the clinical significance of this alteration remains unclear.

NM_001130144.3(LTBP3):c.2852G>A (p.Gly951Asp)

Genes: LTBP3 (latent transforming growth factor beta binding protein 3; minus strand), LOC130006028 (ATAC-STARR-seq lymphoblastoid active region 4987; plus strand). Cytogenetic location: 11q13.1.
Variant type: single nucleotide variant.
Coding change: c.2852G>A on transcript NM_001130144.3 (MANE Select); coding-DNA position 2852, G replaced by A.
Protein change: p.Gly951Asp; replaces glycine 951 with aspartic acid.
Molecular consequence: missense variant.
Genome position (GRCh38, 1-based): chr11:65,541,167, C>T on the plus strand (G>A on the coding strand, the complement: LTBP3 is on the minus strand). VCF-style: chr11-65541167-C-T. GRCh37 (hg19) VCF-style: chr11-65308638-C-T.
Other names: c.2501G>A, p.Gly834Asp (NM_001164266.1); c.2852G>A, p.Gly951Asp (NM_021070.4); short protein forms G834D, G951D.
Identifiers: ClinVar variation 3233162 (VCV003233162.1), dbSNP rs1565090084, ClinGen allele CA381268251.